The following is an entry in ClinVar:

NM_001267550.2(TTN):c.54888A>C (p.Pro18296=)

Genes: TTN (titin; minus strand), TTN-AS1 (TTN antisense RNA 1; plus strand). Cytogenetic location: 2q31.2.
Variant type: single nucleotide variant.
Coding change: c.54888A>C on transcript NM_001267550.2 (MANE Select); coding-DNA position 54888, A replaced by C.
Protein change: p.Pro18296=; no amino-acid change (proline 18296 retained).
Molecular consequence: synonymous variant.
Genome position (GRCh38, 1-based): chr2:178,602,514, T>G on the plus strand (A>C on the coding strand, the complement: TTN is on the minus strand). VCF-style: chr2-178602514-T-G. GRCh37 (hg19) VCF-style: chr2-179467241-T-G.
Other names: c.49965A>C, p.Pro16655= (NM_001256850.1); c.27693A>C, p.Pro9231= (NM_003319.4); c.47184A>C, p.Pro15728= (NM_133378.4); c.28068A>C, p.Pro9356= (NM_133432.3); c.28269A>C, p.Pro9423= (NM_133437.4).
Identifiers: ClinVar variation 1530162 (VCV001530162.10), dbSNP rs1416503595, ClinGen allele CA430101636.

ClinVar aggregate classification (germline): Likely benign. Review status: criteria provided, multiple submitters, no conflicts (2 of 4 stars). 3 submissions from 3 submitters: Likely benign (3). Last evaluated 2026-01-12.

Conditions:
Dilated cardiomyopathy 1G (CMD1G). Identifiers: Orphanet 154, MedGen C1858763, MONDO:0011400, OMIM 604145.
Autosomal recessive limb-girdle muscular dystrophy type 2J (LGMDR10). Also called: Limb-girdle muscular dystrophy, type 2J; MUSCULAR DYSTROPHY, LIMB-GIRDLE, AUTOSOMAL RECESSIVE 10. Identifiers: Orphanet 140922, MedGen C1837342, MONDO:0012127, OMIM 608807.
TTN-related disorder. Also called: TTN-related disorders; TTN-related condition; TTN-related disease.

Allele frequency attached by ClinVar (database versions not stated): gnomAD exomes 0.00001.
gnomAD v4.1: 13 of 1,609,700 alleles (0.00081%); highest among the groups gnomAD compares: Middle Eastern, 0.033%; no homozygotes.

Submissions (3):

PreventionGenetics, part of Exact Sciences
Classification: Likely benign for TTN-related condition. Last evaluated: 2026-01-12. Review status: criteria provided, single submitter. Criteria: ACMG Guidelines, 2015. Collection method: clinical testing. Allele origin: germline.
Comment: This variant is classified as likely benign based on ACMG/AMP sequence variant interpretation guidelines (Richards et al. 2015 PMID: 25741868, with internal and published modifications).

Labcorp Genetics (formerly Invitae), Labcorp
Classification: Likely benign for Dilated cardiomyopathy 1G; Autosomal recessive limb-girdle muscular dystrophy type 2J. Last evaluated: 2025-07-03. Review status: criteria provided, single submitter. Criteria: Invitae Variant Classification Sherloc (09022015). Collection method: clinical testing. Allele origin: germline.

Blueprint Genetics
Classification: Likely benign. Last evaluated: 2024-07-29. Review status: criteria provided, single submitter. Criteria: ACMG Guidelines, 2015. Collection method: clinical testing. Allele origin: germline.